The following is an entry in ClinVar:

ClinVar aggregate classification (germline): Pathogenic. Review status: criteria provided, multiple submitters, no conflicts (2 of 4 stars). 2 submissions from 2 submitters: Pathogenic (2). Last evaluated 2024-08-28.

Conditions:
Hereditary cancer-predisposing syndrome. Also called: Hereditary neoplastic syndrome; Hereditary Cancer Syndrome; Neoplastic Syndromes, Hereditary; Tumor predisposition. Identifiers: Orphanet 140162, MedGen C0027672, MeSH D009386, MONDO:0015356.

Submissions (2):

Ambry Genetics
Classification: Pathogenic for Hereditary cancer-predisposing syndrome. Last evaluated: 2024-08-28. Review status: criteria provided, single submitter. Criteria: Ambry Variant Classification Scheme 2023. Collection method: clinical testing. Allele origin: germline.
Comment: The c.1058_1108+19del70 pathogenic mutation spans the boundary of coding exon 7 and intron 7 of the FH gene. This mutation results from a deletion of 51 coding nucleotides and 19 intronic nucleotides at positions c.1058 to c.1108+19. This variant has been observed in at least one individual with a personal and/or family history that is consistent with hereditary leiomyomatosis and renal cell cancer (Ambry internal data). In silico splice site analysis predicts that this alteration will weaken the native splice donor site. This variant is considered to be rare based on population cohorts in the Genome Aggregation Database (gnomAD). Alterations that disrupt the canonical splice site are expected to cause aberrant splicing, resulting in an abnormal protein or a transcript that is subject to nonsense-mediated mRNA decay. As such, this alteration is classified as a disease-causing mutation.

Labcorp Genetics (formerly Invitae), Labcorp
Classification: Pathogenic. Last evaluated: 2023-10-22. Review status: criteria provided, single submitter. Criteria: Invitae Variant Classification Sherloc (09022015). Collection method: clinical testing. Allele origin: germline.
Comment: This variant results in the deletion of part of exon 7 (c.1058_1108+19del) of the FH gene. It is expected to disrupt RNA splicing. Variants that disrupt the donor or acceptor splice site typically lead to a loss of protein function (PMID: 16199547), and loss-of-function variants in FH are known to be pathogenic (PMID: 11865300, 21398687). This variant is not present in population databases (gnomAD no frequency). This variant has not been reported in the literature in individuals affected with FH-related conditions. This variant disrupts a region of the FH protein in which other variant(s) (p.Ser366Asn) have been determined to be pathogenic (PMID: 12761039, 12772087, 16237213). This suggests that this is a clinically significant region of the protein, and that variants that disrupt it are likely to be disease-causing. For these reasons, this variant has been classified as Pathogenic.

Literature cited by the submitters: PubMed 16199547 (cited by Labcorp Genetics (formerly Invitae), Labcorp); PubMed 11865300 (cited by Labcorp Genetics (formerly Invitae), Labcorp); PubMed 21398687 (cited by Labcorp Genetics (formerly Invitae), Labcorp); PubMed 12761039 (cited by Labcorp Genetics (formerly Invitae), Labcorp); PubMed 12772087 (cited by Labcorp Genetics (formerly Invitae), Labcorp); PubMed 16237213 (cited by Labcorp Genetics (formerly Invitae), Labcorp).

NM_000143.4(FH):c.1058_1108+19del

Gene: FH (fumarate hydratase; minus strand). Cytogenetic location: 1q43.
Variant type: Deletion.
Coding change: c.1058_1108+19del on transcript NM_000143.4 (MANE Select); coding-DNA position 1058 through 19 bases into the intron after coding-DNA position 1108, 70 bases deleted.
Molecular consequence: splice donor variant.
Genome position (GRCh38, 1-based): chr1:241,504,023-241,504,092, 70 bases deleted. GRCh37 (hg19): chr1:241,667,323-241,667,392.
Other names: c.1058_1108+19del70 (NM_000143.3).
Identifiers: ClinVar variation 2770926 (VCV002770926.4), dbSNP rs2527319019, ClinGen allele CA2697547764.